The following is an entry in ClinVar:

NM_016038.4(SBDS):c.274G>C (p.Glu92Gln)

Gene: SBDS (SBDS ribosome maturation factor; minus strand). Cytogenetic location: 7q11.21.
Variant type: single nucleotide variant.
Coding change: c.274G>C on transcript NM_016038.4 (MANE Select); coding-DNA position 274, G replaced by C.
Protein change: p.Glu92Gln; replaces glutamic acid 92 with glutamine.
Molecular consequence: missense variant.
Genome position (GRCh38, 1-based): chr7:66,993,402, C>G on the plus strand (G>C on the coding strand, the complement: SBDS is on the minus strand). VCF-style: chr7-66993402-C-G. GRCh37 (hg19) VCF-style: chr7-66458389-C-G.
Other names: short protein forms E92Q.
Identifiers: ClinVar variation 1795545 (VCV001795545.3), dbSNP rs1197945757, ClinGen allele CA367650761.

ClinVar aggregate classification (germline): Uncertain significance (1 of 4 stars; one submission).

Conditions:
Inborn genetic diseases. Identifiers: MedGen C0950123, MeSH D030342.

Allele frequency attached by ClinVar (database versions not stated): gnomAD exomes below 0.00001.
gnomAD v4.1: 3 of 1,613,858 alleles (0.00019%); highest among the groups gnomAD compares: Non-Finnish European, 0.00025%; no homozygotes.

Submission:

Ambry Genetics
Classification: Uncertain significance for Inborn genetic diseases. Last evaluated: 2025-04-03. Review status: criteria provided, single submitter. Criteria: Ambry Variant Classification Scheme 2023. Collection method: clinical testing. Allele origin: germline.
Comment: The p.E92Q variant (also known as c.274G>C), located in coding exon 3 of the SBDS gene, results from a G to C substitution at nucleotide position 274. The glutamic acid at codon 92 is replaced by glutamine, an amino acid with highly similar properties. This amino acid position is conserved. In addition, this alteration is predicted to be deleterious by in silico analysis. Since supporting evidence is limited at this time, the clinical significance of this alteration remains unclear.